The following is an entry in ClinVar:

ClinVar aggregate classification (germline): Uncertain significance (1 of 4 stars; one submission).

Conditions:
Hereditary cancer-predisposing syndrome. Also called: Neoplastic Syndromes, Hereditary; Tumor predisposition; Hereditary Cancer Syndrome; Hereditary neoplastic syndrome. Identifiers: Orphanet 140162, MedGen C0027672, MeSH D009386, MONDO:0015356.

Submission:

Ambry Genetics
Classification: Uncertain significance for Hereditary cancer-predisposing syndrome. Last evaluated: 2025-12-29. Review status: criteria provided, single submitter. Criteria: Ambry Variant Classification Scheme 2023. Collection method: clinical testing. Allele origin: germline.
Comment: The p.D476Y variant (also known as c.1426G>T), located in coding exon 12 of the SUFU gene, results from a G to T substitution at nucleotide position 1426. The aspartic acid at codon 476 is replaced by tyrosine, an amino acid with highly dissimilar properties. This amino acid position is conserved. In addition, the in silico prediction for this alteration is inconclusive. Based on the available evidence, the clinical significance of this variant remains unclear.

NM_016169.4(SUFU):c.1426G>T (p.Asp476Tyr)

Gene: SUFU (SUFU negative regulator of hedgehog signaling; plus strand). Cytogenetic location: 10q24.32.
Variant type: single nucleotide variant.
Coding change: c.1426G>T on transcript NM_016169.4 (MANE Select); coding-DNA position 1426, G replaced by T.
Protein change: p.Asp476Tyr; replaces aspartic acid 476 with tyrosine.
Molecular consequence: missense variant.
Genome position (GRCh38, 1-based): chr10:102,630,126, G>T. VCF-style: chr10-102630126-G-T. GRCh37 (hg19) VCF-style: chr10-104389883-G-T.
Other names: short protein forms D476Y.
Identifiers: ClinVar variation 4843411 (VCV004843411.1).